The following is an entry in ClinVar:

ClinVar aggregate classification (germline): Uncertain significance (1 of 4 stars; one submission).

Submission:

Greenwood Genetic Center Diagnostic Laboratories, Greenwood Genetic Center
Classification: Uncertain significance. Last evaluated: 2021-12-23. Review status: criteria provided, single submitter. Criteria: ACMG Guidelines, 2015. Collection method: clinical testing. Allele origin: germline. Affected: yes.
Comment: BP4, PP2, PM2

NM_153252.5(BRWD3):c.164G>A (p.Arg55Lys)

Gene: BRWD3 (bromodomain and WD repeat domain containing 3; minus strand). Cytogenetic location: Xq21.1.
Variant type: single nucleotide variant.
Coding change: c.164G>A on transcript NM_153252.5 (MANE Select); coding-DNA position 164, G replaced by A.
Protein change: p.Arg55Lys; replaces arginine 55 with lysine.
Molecular consequence: missense variant.
Genome position (GRCh38, 1-based): chrX:80,808,555, C>T on the plus strand (G>A on the coding strand, the complement: BRWD3 is on the minus strand). VCF-style: chrX-80808555-C-T. GRCh37 (hg19) VCF-style: chrX-80064054-C-T.
Other names: short protein forms R55K.
Identifiers: ClinVar variation 1334720 (VCV001334720.4), dbSNP rs2147875484, ClinGen allele CA413745460.